The following is an entry in ClinVar:

NM_130837.3(OPA1):c.2083G>T (p.Ala695Ser)

Gene: OPA1 (OPA1 mitochondrial dynamin like GTPase; plus strand). Cytogenetic location: 3q29.
Variant type: single nucleotide variant.
Coding change: c.2083G>T on transcript NM_130837.3 (MANE Select); coding-DNA position 2083, G replaced by T.
Protein change: p.Ala695Ser; replaces alanine 695 with serine.
Molecular consequence: missense variant.
Genome position (GRCh38, 1-based): chr3:193,654,932, G>T. VCF-style: chr3-193654932-G-T. GRCh37 (hg19) VCF-style: chr3-193372721-G-T.
Other names: c.2083G>T (NM_130837.2); c.1549G>T, p.Ala517Ser (NM_001354663.2); c.1546G>T, p.Ala516Ser (NM_001354664.2); c.1918G>T, p.Ala640Ser (NM_015560.3); c.1810G>T, p.Ala604Ser (NM_130831.3); c.1864G>T, p.Ala622Ser (NM_130832.3); c.1921G>T, p.Ala641Ser (NM_130833.3); c.1972G>T, p.Ala658Ser (NM_130834.3); and 2 more; short protein forms A640S, A659S, A622S, A641S, A695S, A516S, A517S, A677S.
Identifiers: ClinVar variation 1461254 (VCV001461254.9), dbSNP rs776520906, ClinGen allele CA2759579.
Genomic context (GRCh38, chr3:193,654,932, plus strand): 5'-CTTCAACAATCTTTGTGGGAAAGAGTATCAACTCATGTGATTGAAAACATCTACCTTCCA[G>T]CTGCGCAGACCATGAATTCAGGAACTTTTAACACCACAGTGGATATCAAGCTTAAACAGT-3'
Protein context (NP_570850.2, residues 685-705): THVIENIYLP[Ala695Ser]AQTMNSGTFN

ClinVar aggregate classification (germline): Uncertain significance. Review status: criteria provided, multiple submitters, no conflicts (2 of 4 stars). 2 submissions from 2 submitters: Uncertain significance (2). Last evaluated 2025-10-02.

Conditions:
OPA1-related disorder. Also called: OPA1-related condition; OPA1-related disorders.

Submissions (2):

Labcorp Genetics (formerly Invitae), Labcorp
Classification: Uncertain significance. Last evaluated: 2025-10-02. Review status: criteria provided, single submitter. Criteria: Invitae Variant Classification Sherloc (09022015). Collection method: clinical testing. Allele origin: germline.
Comment: This sequence change replaces alanine, which is neutral and non-polar, with serine, which is neutral and polar, at codon 640 of the OPA1 protein (p.Ala640Ser). This variant is not present in population databases (gnomAD no frequency). This variant has not been reported in the literature in individuals affected with OPA1-related conditions. ClinVar contains an entry for this variant (Variation ID: 1461254). Invitae Evidence Modeling of protein sequence and biophysical properties (such as structural, functional, and spatial information, amino acid conservation, physicochemical variation, residue mobility, and thermodynamic stability) indicates that this missense variant is not expected to disrupt OPA1 protein function with a negative predictive value of 80%. In summary, the available evidence is currently insufficient to determine the role of this variant in disease. Therefore, it has been classified as a Variant of Uncertain Significance.

PreventionGenetics, part of Exact Sciences
Classification: Uncertain significance for OPA1-related condition. Last evaluated: 2025-04-24. Review status: criteria provided, single submitter. Criteria: ACMG Guidelines, 2015. Collection method: clinical testing. Allele origin: germline.
Comment: The OPA1 c.2083G>T variant is predicted to result in the amino acid substitution p.Ala695Ser. To our knowledge, this variant has not been reported in the literature. This variant is absent from one large public population database (gnomAD), indicating that this variant is rare in the general population. At this time, the clinical significance of this variant is uncertain due to the absence of conclusive functional and genetic evidence.